The following is an entry in ClinVar:

NM_002878.4(RAD51D):c.886_887delinsAG (p.Ala296Ser)

Genes: RAD51L3-RFFL (RAD51L3-RFFL readthrough; minus strand), RAD51D (RAD51 paralog D; minus strand). Cytogenetic location: 17q12.
Variant type: Indel.
Coding change: c.886_887delinsAG on transcript NM_002878.4 (MANE Select); coding-DNA positions 886 to 887, GC replaced by AG.
Protein change: p.Ala296Ser; replaces alanine 296 with serine.
Molecular consequence: missense variant. On other transcripts: non-coding transcript variant (3).
Genome position (GRCh38, 1-based): chr17:35,101,217-35,101,218, GC replaced by CT on the plus strand (GC replaced by AG on the coding strand, the reverse complement: RAD51D is on the minus strand). VCF-style: chr17-35101217-GC-CT. GRCh37 (hg19) VCF-style: chr17-33428236-GC-CT.
Other names: c.946_947delinsAG, p.Ala316Ser (NM_001142571.2); c.550_551delinsAG, p.Ala184Ser (NM_133629.3); short protein forms A184S, A296S, A316S.
Identifiers: ClinVar variation 920150 (VCV000920150.13), dbSNP rs2091531816, ClinGen allele CA1139665491.

ClinVar aggregate classification (germline): Uncertain significance. Review status: criteria provided, multiple submitters, no conflicts (2 of 4 stars). 3 submissions from 3 submitters: Uncertain significance (3). Last evaluated 2025-01-27.

Conditions:
Hereditary cancer-predisposing syndrome. Also called: Neoplastic Syndromes, Hereditary; Tumor predisposition; Hereditary Cancer Syndrome; Hereditary neoplastic syndrome. Identifiers: Orphanet 140162, MedGen C0027672, MeSH D009386, MONDO:0015356.
Breast-ovarian cancer, familial, susceptibility to, 4. Identifiers: Orphanet 145, MedGen C3280345, MONDO:0013669, OMIM 614291.

Submissions (3):

Labcorp Genetics (formerly Invitae), Labcorp
Classification: Uncertain significance for Breast-ovarian cancer, familial, susceptibility to, 4. Last evaluated: 2025-01-27. Review status: criteria provided, single submitter. Criteria: Invitae Variant Classification Sherloc (09022015). Collection method: clinical testing. Allele origin: germline.
Comment: This sequence change replaces alanine, which is neutral and non-polar, with serine, which is neutral and polar, at codon 296 of the RAD51D protein (p.Ala296Ser). Information on the frequency of this variant in the gnomAD database is not available, as this variant may be reported differently in the database. This variant has not been reported in the literature in individuals affected with RAD51D-related conditions. ClinVar contains an entry for this variant (Variation ID: 920150). An algorithm developed to predict the effect of missense changes on protein structure and function (PolyPhen-2) suggests that this variant is likely to be tolerated. In summary, the available evidence is currently insufficient to determine the role of this variant in disease. Therefore, it has been classified as a Variant of Uncertain Significance.

Color Diagnostics, LLC DBA Color Health
Classification: Uncertain significance for Hereditary cancer-predisposing syndrome. Last evaluated: 2023-12-05. Review status: criteria provided, single submitter. Criteria: ACMG Guidelines, 2015. Collection method: clinical testing. Allele origin: germline.
Comment: This missense variant replaces alanine with serine at codon 296 of the RAD51D protein. Computational prediction tools and conservation analyses are inconclusive regarding the impact of this variant on protein structure and function. Splice site prediction tools suggest that this variant may not impact RNA splicing. To our knowledge, functional studies have not been performed for this variant. This variant has not been reported in individuals affected with hereditary cancer in the literature. This variant has not been identified in the general population by the Genome Aggregation Database (gnomAD). The available evidence is insufficient to determine the role of this variant in disease conclusively. Therefore, this variant is classified as a Variant of Uncertain Significance.

GeneDx
Classification: Uncertain significance. Last evaluated: 2019-07-02. Review status: criteria provided, single submitter. Criteria: GeneDx Variant Classification Process June 2021. Collection method: clinical testing. Allele origin: germline. Affected: yes.
Comment: Not observed in large population cohorts (Lek et al., 2016); In silico analysis, which includes protein predictors and evolutionary conservation, supports that this variant does not alter protein structure/function; Has not been previously published as pathogenic or benign to our knowledge